The following is an entry in ClinVar:

ClinVar aggregate classification (germline): Uncertain significance (1 of 4 stars; one submission).

Conditions:
Inborn genetic diseases. Identifiers: MedGen C0950123, MeSH D030342.

gnomAD v4.1: 1 of 1,581,760 alleles (0.000063%); highest among the groups gnomAD compares: African/African-American, 0.0013%; no homozygotes.

Submission:

Ambry Genetics
Classification: Uncertain significance for Inborn genetic diseases. Last evaluated: 2026-04-04. Review status: criteria provided, single submitter. Criteria: Ambry Variant Classification Scheme 2023. Collection method: clinical testing. Allele origin: germline.
Comment: The p.L748P variant (also known as c.2243T>C), located in coding exon 25 of the FANCA gene, results from a T to C substitution at nucleotide position 2243. The leucine at codon 748 is replaced by proline, an amino acid with similar properties. This amino acid position is conserved. In addition, the in silico prediction for this alteration is inconclusive. Based on the available evidence, the clinical significance of this variant remains unclear.

NM_000135.4(FANCA):c.2243T>C (p.Leu748Pro)

Gene: FANCA (FA complementation group A; minus strand). Cytogenetic location: 16q24.3.
Variant type: single nucleotide variant.
Coding change: c.2243T>C on transcript NM_000135.4 (MANE Select); coding-DNA position 2243, T replaced by C.
Protein change: p.Leu748Pro; replaces leucine 748 with proline.
Molecular consequence: missense variant.
Genome position (GRCh38, 1-based): chr16:89,770,239, A>G on the plus strand (T>C on the coding strand, the complement: FANCA is on the minus strand). VCF-style: chr16-89770239-A-G. GRCh37 (hg19) VCF-style: chr16-89836647-A-G.
Other names: c.2243T>C, p.Leu748Pro (NM_001286167.3); short protein forms L748P.
Identifiers: ClinVar variation 4870818 (VCV004870818.1).